The following is an entry in ClinVar:

NM_144997.7(FLCN):c.1665_1666insTCAGAGGACAATGTCAAGCTGCTGAAGGTCT (p.Gly556fs)

Gene: FLCN (folliculin; minus strand). Cytogenetic location: 17p11.2.
Variant type: Insertion.
Coding change: c.1665_1666insTCAGAGGACAATGTCAAGCTGCTGAAGGTCT on transcript NM_144997.7 (MANE Select); coding-DNA positions 1665 to 1666, TCAGAGGACAATGTCAAGCTGCTGAAGGTCT inserted.
Protein change: p.Gly556fs; shifts the reading frame from glycine 556.
Molecular consequence: frameshift variant.
Genome position: GRCh38: chr17:17,213,731-17,213,732. GRCh37 (hg19): chr17:17,117,045-17,117,046.
Other names: c.1719_1720insTCAGAGGACAATGTCAAGCTGCTGAAGGTCT, p.Gly574fs (NM_001353229.2); c.1665_1666insTCAGAGGACAATGTCAAGCTGCTGAAGGTCT, p.Gly556fs (NM_001353230.2, NM_001353231.2); c.1665_1666insTCAGAGGACAATGTCAAGCTGCTGAAGGTCT (NM_144997.5); short protein forms G556fs, G574fs.
Identifiers: ClinVar variation 2578480 (VCV002578480.5), dbSNP rs2046818472, ClinGen allele CA2250413567.
Genomic context (GRCh38, chr17:17,213,729, plus strand): 5'-CCGAGGCTGTGGGGCTGCGGACCGTGGACATGAGGTGTGACTTGTAGGTCTTGCTCAGGC[C>CAGACCTTCAGCAGCTTGACATTGTCCTCTGA]AGTCATCCAGAACTTCAGCAGCTTGACATTGTCCTCCTCGGACGCACCCAGGATGCTCAG-3'

ClinVar aggregate classification (germline): Uncertain significance. Review status: criteria provided, multiple submitters, no conflicts (2 of 4 stars). 3 submissions from 3 submitters: Uncertain significance (2). 1 of the submissions does not count toward it. Last evaluated 2025-06-11.

Conditions:
Hereditary cancer-predisposing syndrome. Also called: Neoplastic Syndromes, Hereditary; Hereditary Cancer Syndrome; Tumor predisposition; Hereditary neoplastic syndrome. Identifiers: Orphanet 140162, MedGen C0027672, MeSH D009386, MONDO:0015356.
Birt-Hogg-Dube syndrome. Also called: Birt Hogg Dubé syndrome. Identifiers: Orphanet 122, MedGen C0346010, MONDO:0800444.

Submissions (3):

Ambry Genetics
Classification: Uncertain significance for Hereditary cancer-predisposing syndrome. Last evaluated: 2025-06-11. Review status: criteria provided, single submitter. Criteria: Ambry Variant Classification Scheme 2023. Collection method: clinical testing. Allele origin: germline.
Comment: The c.1665_1666ins31 variant, located in coding exon 11 of the FLCN gene, results from an insertion of 31 nucleotides at position 1665, causing a translational frameshift with a predicted alternate stop codon (p.G556Sfs*56). This alteration occurs at the 3' terminus of the FLCN gene, is not expected to trigger nonsense-mediated mRNA decay, and results in the elongation of the protein by 31 amino acids. This frameshift impacts the last 24 amino acids of the native protein. The exact functional effect of the altered amino acids is unknown. Based on the available evidence, the clinical significance of this variant remains unclear.

Labcorp Genetics (formerly Invitae), Labcorp
Classification: Uncertain significance for Birt-Hogg-Dube syndrome. Last evaluated: 2023-10-20. Review status: criteria provided, single submitter. Criteria: Invitae Variant Classification Sherloc (09022015). Collection method: clinical testing. Allele origin: germline.
Comment: This sequence change results in a frameshift in the FLCN gene (p.Gly556Serfs*56). While this is not anticipated to result in nonsense mediated decay, it is expected to disrupt the last 24 amino acid(s) of the FLCN protein and extend the protein by 31 additional amino acid residues. This variant is not present in population databases (gnomAD no frequency). This variant has not been reported in the literature in individuals affected with FLCN-related conditions. ClinVar contains an entry for this variant (Variation ID: 2578480). In summary, the available evidence is currently insufficient to determine the role of this variant in disease. Therefore, it has been classified as a Variant of Uncertain Significance.

Division of Respiratory Medicine of Juntendo University, Juntendo University Faculty of Medicine and Graduate School of Medicine
Classification: Pathogenic for Birt-Hogg-Dube syndrome 1. Last evaluated: 2023-07-01. Review status: no assertion criteria provided. Collection method: clinical testing. Allele origin: germline. Affected: yes. Not counted in ClinVar's aggregate classification.